The following is an entry in ClinVar:

ClinVar aggregate classification (germline): Uncertain significance (1 of 4 stars; one submission).

Submission:

GeneDx
Classification: Uncertain significance. Last evaluated: 2024-01-03. Review status: criteria provided, single submitter. Criteria: GeneDx Variant Classification Process June 2021. Collection method: clinical testing. Allele origin: germline. Affected: yes.
Comment: Not observed at significant frequency in large population cohorts (gnomAD); In silico analysis supports that this missense variant has a deleterious effect on protein structure/function; Has not been previously published as pathogenic or benign to our knowledge

NM_001145809.2(MYH14):c.5056G>A (p.Glu1686Lys)

Gene: MYH14 (myosin heavy chain 14; plus strand). Cytogenetic location: 19q13.33.
Variant type: single nucleotide variant.
Coding change: c.5056G>A on transcript NM_001145809.2 (MANE Select); coding-DNA position 5056, G replaced by A.
Protein change: p.Glu1686Lys; replaces glutamic acid 1686 with lysine.
Molecular consequence: missense variant.
Genome position (GRCh38, 1-based): chr19:50,290,977, G>A. VCF-style: chr19-50290977-G-A. GRCh37 (hg19) VCF-style: chr19-50794234-G-A.
Other names: c.4957G>A, p.Glu1653Lys (NM_001077186.2); c.4933G>A, p.Glu1645Lys (NM_024729.4); short protein forms E1645K, E1653K, E1686K.
Identifiers: ClinVar variation 3367331 (VCV003367331.1).